The following is an entry in ClinVar:

ClinVar aggregate classification (germline): Likely pathogenic (1 of 4 stars; one submission).

Submission:

GeneDx
Classification: Likely pathogenic. Last evaluated: 2021-05-12. Review status: criteria provided, single submitter. Criteria: GeneDx Variant Classification Process June 2021. Collection method: clinical testing. Allele origin: germline. Affected: yes.
Comment: Has not been previously published as pathogenic or benign to our knowledge; Not observed in large population cohorts (Lek et al., 2016); Frameshift variant predicted to result in protein truncation or nonsense mediated decay

NM_001267550.2(TTN):c.43370del (p.Lys14457fs)

Gene: TTN (titin; minus strand). Cytogenetic location: 2q31.2.
Variant type: Deletion.
Coding change: c.43370del on transcript NM_001267550.2 (MANE Select); coding-DNA position 43370, one base deleted (A; older notation c.43370delA).
Protein change: p.Lys14457fs; shifts the reading frame from lysine 14457.
Molecular consequence: frameshift variant.
Genome position (GRCh38, 1-based): chr2:178,632,636, T deleted on the plus strand (A on the coding strand, the reverse complement: TTN is on the minus strand); the first of 3 consecutive T bases (chr2:178,632,636-178,632,638); deleting any one gives the same sequence. VCF-style (leftmost placement, unchanged base first): chr2-178632635-CT-C. GRCh37 (hg19) VCF-style: chr2-179497362-CT-C.
Other names: c.38447del, p.Lys12816fs (NM_001256850.1); c.16175del, p.Lys5392fs (NM_003319.4); c.35666del, p.Lys11889fs (NM_133378.4); c.16550del, p.Lys5517fs (NM_133432.3); c.16751del, p.Lys5584fs (NM_133437.4); c.38447delA (NM_001256850.1); short protein forms K14457fs, K5392fs, K5584fs, K5517fs, K11889fs, K12816fs.
Identifiers: ClinVar variation 503967 (VCV000503967.3), dbSNP rs1553739413, ClinGen allele CA658796016.